The following is an entry in ClinVar:

NM_019066.5(MAGEL2):c.2459C>T (p.Ala820Val)

Gene: MAGEL2 (MAGE family member L2; minus strand). Cytogenetic location: 15q11.2.
Variant type: single nucleotide variant.
Coding change: c.2459C>T on transcript NM_019066.5 (MANE Select); coding-DNA position 2459, C replaced by T.
Protein change: p.Ala820Val; replaces alanine 820 with valine.
Molecular consequence: missense variant.
Genome position (GRCh38, 1-based): chr15:23,645,284, G>A on the plus strand (C>T on the coding strand, the complement: MAGEL2 is on the minus strand). VCF-style: chr15-23645284-G-A. GRCh37 (hg19) VCF-style: chr15-23890431-G-A.
Other names: short protein forms A820V.
Identifiers: ClinVar variation 2480588 (VCV002480588.7), dbSNP rs760802761, ClinGen allele CA7429892.

ClinVar aggregate classification (germline): Conflicting classifications of pathogenicity. Review status: criteria provided, conflicting classifications (1 of 4 stars). 3 submissions from 3 submitters: Uncertain significance (2); Likely benign (1). Last evaluated 2025-07-30.

Conditions:
Inborn genetic diseases. Identifiers: MedGen C0950123, MeSH D030342.
MAGEL2-related disorder. Also called: MAGEL2-related condition.

Allele frequency attached by ClinVar (database versions not stated): gnomAD exomes 0.00001; ExAC 0.00002; TOPMed 0.00006; gnomAD 0.00007.
gnomAD v4.1: 31 of 1,613,898 alleles (0.0019%); highest among the groups gnomAD compares: African/African-American, 0.035%; no homozygotes.

Submissions (3):

PreventionGenetics, part of Exact Sciences
Classification: Uncertain significance for MAGEL2-related condition. Last evaluated: 2025-07-30. Review status: criteria provided, single submitter. Criteria: ACMG Guidelines, 2015. Collection method: clinical testing. Allele origin: germline.
Comment: The MAGEL2 c.2459C>T variant is predicted to result in the amino acid substitution p.Ala820Val. To our knowledge, this variant has not been reported in the literature. This variant is reported in 0.033% of alleles in individuals of African descent in gnomAD, which may be too frequent to be a primary cause of disease. Although we suspect that this variant may be benign, at this time, the clinical significance of this variant is uncertain due to the absence of conclusive functional and genetic evidence.

Labcorp Genetics (formerly Invitae), Labcorp
Classification: Uncertain significance. Last evaluated: 2024-05-06. Review status: criteria provided, single submitter. Criteria: Invitae Variant Classification Sherloc (09022015). Collection method: clinical testing. Allele origin: germline.
Comment: This sequence change replaces alanine, which is neutral and non-polar, with valine, which is neutral and non-polar, at codon 820 of the MAGEL2 protein (p.Ala820Val). This variant is present in population databases (rs760802761, gnomAD 0.03%). This variant has not been reported in the literature in individuals affected with MAGEL2-related conditions. ClinVar contains an entry for this variant (Variation ID: 2480588). Advanced modeling of protein sequence and biophysical properties (such as structural, functional, and spatial information, amino acid conservation, physicochemical variation, residue mobility, and thermodynamic stability) has been performed at Invitae for this missense variant, however the output from this modeling did not meet the statistical confidence thresholds required to predict the impact of this variant on MAGEL2 protein function. In summary, the available evidence is currently insufficient to determine the role of this variant in disease. Therefore, it has been classified as a Variant of Uncertain Significance.

Ambry Genetics
Classification: Likely benign for Inborn genetic diseases. Last evaluated: 2023-02-06. Review status: criteria provided, single submitter. Criteria: Ambry Variant Classification Scheme 2023. Collection method: clinical testing. Allele origin: germline.